The following is an entry in ClinVar:

NM_006306.4(SMC1A):c.2144C>G (p.Ser715Cys)

Gene: SMC1A (structural maintenance of chromosomes 1A; minus strand). Cytogenetic location: Xp11.22.
Variant type: single nucleotide variant.
Coding change: c.2144C>G on transcript NM_006306.4 (MANE Select); coding-DNA position 2144, C replaced by G.
Protein change: p.Ser715Cys; replaces serine 715 with cysteine.
Molecular consequence: missense variant.
Genome position (GRCh38, 1-based): chrX:53,405,064, G>C on the plus strand (C>G on the coding strand, the complement: SMC1A is on the minus strand). VCF-style: chrX-53405064-G-C. GRCh37 (hg19) VCF-style: chrX-53431996-G-C.
Other names: c.2078C>G, p.Ser693Cys (NM_001281463.1); short protein forms S693C, S715C.
Identifiers: ClinVar variation 3368681 (VCV003368681.1).
Genomic context (GRCh38, chrX:53,405,064, plus strand): 5'-GGCCCCACCTGCAGATTCAGGGCTAGATGTCGTGTCTTGGTCTGTTCTAGGTCACTCTGG[G>C]AGTACTTGAGCCGCATCTGCAGTCCATGGGCCTGAGACTGCACCTGACGCAGCTCTGCCT-3'
Protein context (NP_006297.2, residues 705-725): AHGLQMRLKY[Ser715Cys]QSDLEQTKTR

ClinVar aggregate classification (germline): Uncertain significance (1 of 4 stars; one submission).

Submission:

GeneDx
Classification: Uncertain significance. Last evaluated: 2024-02-02. Review status: criteria provided, single submitter. Criteria: GeneDx Variant Classification Process June 2021. Collection method: clinical testing. Allele origin: germline. Affected: yes.
Comment: Not observed at significant frequency in large population cohorts (gnomAD); Missense variants in this gene are a common cause of disease and they are underrepresented in the general population; In silico analysis supports that this missense variant has a deleterious effect on protein structure/function; Has not been previously published as pathogenic or benign to our knowledge